The following is an entry in ClinVar:

NM_001080442.3(SLC38A8):c.895_901del (p.Arg299fs)

Gene: SLC38A8 (solute carrier family 38 member 8; minus strand). Cytogenetic location: 16q23.3.
Variant type: Deletion.
Coding change: c.895_901del on transcript NM_001080442.3 (MANE Select); coding-DNA positions 895 to 901, 7 bases deleted (CGGGTCC; older notation c.895_901delCGGGTCC).
Protein change: p.Arg299fs; shifts the reading frame from arginine 299.
Molecular consequence: frameshift variant.
Genome position (GRCh38, 1-based): chr16:84,017,192-84,017,198, GGACCCG deleted on the plus strand (CGGGTCC on the coding strand, the reverse complement: SLC38A8 is on the minus strand); deleting any 7 consecutive bases within chr16:84,017,192-84,017,200 gives the same sequence; the c. name uses the placement nearest the transcript's 3' end. VCF-style (leftmost placement, unchanged base first): chr16-84017191-AGGACCCG-A. GRCh37 (hg19) VCF-style: chr16-84050796-AGGACCCG-A.
Other names: short protein forms R299fs.
Identifiers: ClinVar variation 1325088 (VCV001325088.5), dbSNP rs1228073295, ClinGen allele CA624018522.

ClinVar aggregate classification (germline): Pathogenic/Likely pathogenic. Review status: criteria provided, multiple submitters, no conflicts (2 of 4 stars). 2 submissions from 2 submitters: Pathogenic (1); Likely pathogenic (1). Last evaluated 2025-02-14.

Conditions:
Foveal hypoplasia - optic nerve decussation defect - anterior segment dysgenesis syndrome. Also called: Foveal hypoplasia 2; FOVEAL HYPOPLASIA 2 WITH OPTIC NERVE DECUSSATION DEFECTS AND ANTERIOR SEGMENT DYSGENESIS WITHOUT ALBINISM; FOVEAL HYPOPLASIA 2 WITH OR WITHOUT OPTIC NERVE MISROUTING AND/OR ANTERIOR SEGMENT DYSGENESIS; FOVEAL HYPOPLASIA 2 WITH OR WITHOUT MICROPHTHALMIA OR COLOBOMA. Identifiers: Orphanet 397618, MedGen C3807873, MONDO:0012216, OMIM 609218.

Submissions (2):

Labcorp Genetics (formerly Invitae), Labcorp
Classification: Pathogenic. Last evaluated: 2025-02-14. Review status: criteria provided, single submitter. Criteria: Invitae Variant Classification Sherloc (09022015). Collection method: clinical testing. Allele origin: germline.
Comment: This sequence change creates a premature translational stop signal (p.Arg299Phefs*7) in the SLC38A8 gene. It is expected to result in an absent or disrupted protein product. Loss-of-function variants in SLC38A8 are known to be pathogenic (PMID: 24290379). This variant is present in population databases (no rsID available, gnomAD 0.006%). This variant has not been reported in the literature in individuals affected with SLC38A8-related conditions. ClinVar contains an entry for this variant (Variation ID: 1325088). Algorithms developed to predict the effect of sequence changes on RNA splicing suggest that this variant may disrupt the consensus splice site. For these reasons, this variant has been classified as Pathogenic.

Revvity Omics, Revvity
Classification: Likely pathogenic for Foveal hypoplasia - optic nerve decussation defect - anterior segment dysgenesis syndrome. Last evaluated: 2019-12-24. Review status: criteria provided, single submitter. Criteria: ACMG Guidelines, 2015. Collection method: clinical testing. Allele origin: germline.

Literature cited by the submitters: PubMed 24290379 (cited by Labcorp Genetics (formerly Invitae), Labcorp).